The following is an entry in ClinVar:

ClinVar aggregate classification (germline): Uncertain significance. Review status: criteria provided, multiple submitters, no conflicts (2 of 4 stars). 2 submissions from 2 submitters: Uncertain significance (2). Last evaluated 2025-07-19.

Conditions:
Inborn genetic diseases. Identifiers: MedGen C0950123, MeSH D030342.

Submissions (2):

Ambry Genetics
Classification: Uncertain significance for Inborn genetic diseases. Last evaluated: 2025-07-19. Review status: criteria provided, single submitter. Criteria: Ambry Variant Classification Scheme 2023. Collection method: clinical testing. Allele origin: germline.
Comment: The p.D672G variant (also known as c.2015A>G), located in coding exon 1 of the SAMD9L gene, results from an A to G substitution at nucleotide position 2015. The aspartic acid at codon 672 is replaced by glycine, an amino acid with similar properties. This amino acid position is conserved. In addition, this alteration is predicted to be tolerated by in silico analysis. Based on the available evidence, the clinical significance of this variant remains unclear.

Blueprint Genetics
Classification: Uncertain significance. Last evaluated: 2020-11-06. Review status: criteria provided, single submitter. Criteria: ACMG Guidelines, 2015. Collection method: clinical testing. Allele origin: germline.

NM_152703.5(SAMD9L):c.2015A>G (p.Asp672Gly)

Gene: SAMD9L (sterile alpha motif domain containing 9 like; minus strand). Cytogenetic location: 7q21.2.
Variant type: single nucleotide variant.
Coding change: c.2015A>G on transcript NM_152703.5 (MANE Select); coding-DNA position 2015, A replaced by G.
Protein change: p.Asp672Gly; replaces aspartic acid 672 with glycine.
Molecular consequence: missense variant.
Genome position (GRCh38, 1-based): chr7:93,133,957, T>C on the plus strand (A>G on the coding strand, the complement: SAMD9L is on the minus strand). VCF-style: chr7-93133957-T-C. GRCh37 (hg19) VCF-style: chr7-92763270-T-C.
Other names: c.2015A>G, p.Asp672Gly (NM_001303496.3, NM_001303497.3, NM_001303498.3 and 5 more transcripts); short protein forms D672G.
Identifiers: ClinVar variation 4159345 (VCV004159345.2).